The following is an entry in ClinVar:

ClinVar aggregate classification (germline): Uncertain significance (1 of 4 stars; one submission).

Submission:

Mayo Clinic Laboratories, Mayo Clinic
Classification: Uncertain significance. Last evaluated: 2023-04-17. Review status: criteria provided, single submitter. Criteria: ACMG Guidelines, 2015. Collection method: clinical testing. Allele origin: germline. Observed: 1 variant allele.
Comment: PM2

NM_021800.3(DNAJC12):c.347C>A (p.Ser116Tyr)

Gene: DNAJC12 (DnaJ heat shock protein family (Hsp40) member C12; minus strand). Cytogenetic location: 10q21.3.
Variant type: single nucleotide variant.
Coding change: c.347C>A on transcript NM_021800.3 (MANE Select); coding-DNA position 347, C replaced by A.
Protein change: p.Ser116Tyr; replaces serine 116 with tyrosine.
Molecular consequence: missense variant.
Genome position (GRCh38, 1-based): chr10:67,805,738, G>T on the plus strand (C>A on the coding strand, the complement: DNAJC12 is on the minus strand). VCF-style: chr10-67805738-G-T. GRCh37 (hg19) VCF-style: chr10-69565496-G-T.
Other names: p.Ser116Tyr; short protein forms S116Y.
Identifiers: ClinVar variation 2683106 (VCV002683106.1), dbSNP rs1841794143, ClinGen allele CA377103275.